The following is an entry in ClinVar:

NM_014141.6(CNTNAP2):c.3199A>G (p.Ile1067Val)

Gene: CNTNAP2 (contactin associated protein 2; plus strand). Cytogenetic location: 7q36.1.
Variant type: single nucleotide variant.
Coding change: c.3199A>G on transcript NM_014141.6 (MANE Select); coding-DNA position 3199, A replaced by G.
Protein change: p.Ile1067Val; replaces isoleucine 1067 with valine.
Molecular consequence: missense variant.
Genome position (GRCh38, 1-based): chr7:148,217,476, A>G. VCF-style: chr7-148217476-A-G. GRCh37 (hg19) VCF-style: chr7-147914568-A-G.
Other names: short protein forms I1067V.
Identifiers: ClinVar variation 1718478 (VCV001718478.3), dbSNP rs2536642306, ClinGen allele CA369929448.

ClinVar aggregate classification (germline): Uncertain significance (1 of 4 stars; one submission).

Conditions:
Cortical dysplasia-focal epilepsy syndrome (PTHSL1). Also called: Pitt-Hopkins-like syndrome 1. Identifiers: Orphanet 163681, Orphanet 221150, MedGen C2750246, MONDO:0012400, OMIM 610042.

Allele frequency attached by ClinVar (database versions not stated): gnomAD exomes below 0.00001.
gnomAD v4.1: 1 of 1,614,116 alleles (0.000062%); highest among the groups gnomAD compares: Non-Finnish European, 0.000085%; no homozygotes.

Submission:

Labcorp Genetics (formerly Invitae), Labcorp
Classification: Uncertain significance for Cortical dysplasia-focal epilepsy syndrome. Last evaluated: 2022-09-30. Review status: criteria provided, single submitter. Criteria: Invitae Variant Classification Sherloc (09022015). Collection method: clinical testing. Allele origin: germline.
Comment: This sequence change replaces isoleucine, which is neutral and non-polar, with valine, which is neutral and non-polar, at codon 1067 of the CNTNAP2 protein (p.Ile1067Val). This variant is not present in population databases (gnomAD no frequency). This variant has not been reported in the literature in individuals affected with CNTNAP2-related conditions. Algorithms developed to predict the effect of missense changes on protein structure and function output the following: SIFT: "Tolerated"; PolyPhen-2: "Benign"; Align-GVGD: "Class C0". The valine amino acid residue is found in multiple mammalian species, which suggests that this missense change does not adversely affect protein function. In summary, the available evidence is currently insufficient to determine the role of this variant in disease. Therefore, it has been classified as a Variant of Uncertain Significance.